The following is an entry in ClinVar:

NM_024408.4(NOTCH2):c.5795A>G (p.Asn1932Ser)

Gene: NOTCH2 (notch receptor 2; minus strand). Cytogenetic location: 1p12.
Variant type: single nucleotide variant.
Coding change: c.5795A>G on transcript NM_024408.4 (MANE Select); coding-DNA position 5795, A replaced by G.
Protein change: p.Asn1932Ser; replaces asparagine 1932 with serine.
Molecular consequence: missense variant.
Genome position (GRCh38, 1-based): chr1:119,918,540, T>C on the plus strand (A>G on the coding strand, the complement: NOTCH2 is on the minus strand). VCF-style: chr1-119918540-T-C. GRCh37 (hg19) VCF-style: chr1-120461163-T-C.
Other names: c.5795A>G (NM_024408.3); short protein forms N1932S.
Identifiers: ClinVar variation 2639044 (VCV002639044.24), dbSNP rs1387359334, ClinGen allele CA341883032.

ClinVar aggregate classification (germline): Uncertain significance. Review status: criteria provided, multiple submitters, no conflicts (2 of 4 stars). 2 submissions from 2 submitters: Uncertain significance (2). Last evaluated 2025-03-26.

Conditions:
Inborn genetic diseases. Identifiers: MedGen C0950123, MeSH D030342.

Allele frequency attached by ClinVar (database versions not stated): gnomAD exomes below 0.00001.
gnomAD v4.1: 3 of 1,613,932 alleles (0.00019%); highest among the groups gnomAD compares: Non-Finnish European, 0.00025%; no homozygotes.

Submissions (2):

Ambry Genetics
Classification: Uncertain significance for Inborn genetic diseases. Last evaluated: 2025-03-26. Review status: criteria provided, single submitter. Criteria: Ambry Variant Classification Scheme 2023. Collection method: clinical testing. Allele origin: germline.

CeGaT Center for Human Genetics Tuebingen
Classification: Uncertain significance. Last evaluated: 2023-02-01. Review status: criteria provided, single submitter. Criteria: CeGaT Center For Human Genetics Tuebingen Variant Classification Criteria Version 2. Collection method: clinical testing. Allele origin: germline. Affected: yes. Observed: 1 variant allele.
Comment: NOTCH2: PP2